The following is an entry in ClinVar:

ClinVar aggregate classification (germline): Pathogenic. Review status: criteria provided, multiple submitters, no conflicts (2 of 4 stars). 4 submissions from 4 submitters: Pathogenic (4). Last evaluated 2025-10-10.

Conditions:
AR-related disorders.
AR-related disorder. Also called: AR-related condition.
Androgen resistance syndrome (AIS). Also called: DHTR DEFICIENCY; DIHYDROTESTOSTERONE RECEPTOR DEFICIENCY; TESTICULAR FEMINIZATION SYNDROME; Androgen insensitivity syndrome; Androgen insensitivity, complete; Androgen insensitivity syndrome due to coactivator deficiency. Identifiers: Orphanet 754, Orphanet 99429, MedGen C0039585, MONDO:0019154, OMIM 300068. Disease mechanism: loss of function.
Kennedy disease (SMAX1). Also called: SPINAL AND BULBAR MUSCULAR ATROPHY, X-LINKED 1; KENNEDY SPINAL AND BULBAR MUSCULAR ATROPHY; Spinal and Bulbar Muscular Atrophy. Identifiers: Orphanet 481, MedGen C1839259, MONDO:0010735, OMIM 313200.

Submissions (4):

Labcorp Genetics (formerly Invitae), Labcorp
Classification: Pathogenic for Kennedy disease; Androgen resistance syndrome. Last evaluated: 2025-10-10. Review status: criteria provided, single submitter. Criteria: Invitae Variant Classification Sherloc (09022015). Collection method: clinical testing. Allele origin: germline.
Comment: This sequence change creates a premature translational stop signal (p.Arg832*) in the AR gene. It is expected to result in an absent or disrupted protein product. Loss-of-function variants in AR are known to be pathogenic (PMID: 19463997). This variant is not present in population databases (gnomAD no frequency). This premature translational stop signal has been observed in individual(s) with complete androgen insensitivity syndrome (PMID: 1480178, 31499074). This variant is also known as Arg831*. ClinVar contains an entry for this variant (Variation ID: 1342730). Algorithms developed to predict the effect of sequence changes on RNA splicing suggest that this variant may disrupt the consensus splice site. For these reasons, this variant has been classified as Pathogenic.

PreventionGenetics, part of Exact Sciences
Classification: Pathogenic for AR-related condition. Last evaluated: 2025-04-29. Review status: criteria provided, single submitter. Criteria: ACMG Guidelines, 2015. Collection method: clinical testing. Allele origin: germline.
Comment: The AR c.2494C>T variant is predicted to result in premature protein termination (p.Arg832*). This variant has been reported to be causative for complete androgen insensitivity syndrome (referred to as p.Arg831* in De Bellis et al. 1992. PubMed ID: 1480178; Kharrat et al. 2019. PubMed ID: 31499074). This variant has not been reported in a large population database, indicating this variant is rare. Nonsense variants in AR are expected to be pathogenic. This variant is interpreted as pathogenic.

GeneDx
Classification: Pathogenic. Last evaluated: 2022-01-13. Review status: criteria provided, single submitter. Criteria: GeneDx Variant Classification Process June 2021. Collection method: clinical testing. Allele origin: germline. Affected: yes.
Comment: Nonsense variant predicted to result in protein truncation or nonsense mediated decay in a gene for which loss-of-function is a known mechanism of disease; Not observed at significant frequency in large population cohorts (gnomAD); Also known as p.(R831*); This variant is associated with the following publications: (PMID: 25525159, 1480178, 31499074, 28857053)

Blueprint Genetics
Classification: Pathogenic for AR-related disorders. Last evaluated: 2021-04-19. Review status: criteria provided, single submitter. Criteria: ACMG Guidelines, 2015. Collection method: clinical testing. Allele origin: germline. Affected: yes. Observed: 1 variant allele.

Literature cited by the submitters: PubMed 19463997 (cited by Labcorp Genetics (formerly Invitae), Labcorp); PubMed 1480178 (cited by Labcorp Genetics (formerly Invitae), Labcorp); PubMed 31499074 (cited by Labcorp Genetics (formerly Invitae), Labcorp).

NM_000044.6(AR):c.2494C>T (p.Arg832Ter)

Gene: AR (androgen receptor; plus strand). Cytogenetic location: Xq12.
Variant type: single nucleotide variant.
Coding change: c.2494C>T on transcript NM_000044.6 (MANE Select); coding-DNA position 2494, C replaced by T.
Protein change: p.Arg832Ter; replaces arginine 832 with a stop codon.
Molecular consequence: nonsense.
Genome position (GRCh38, 1-based): chrX:67,722,871, C>T. VCF-style: chrX-67722871-C-T. GRCh37 (hg19) VCF-style: chrX-66942713-C-T.
Other names: c.898C>T, p.Arg300Ter (NM_001011645.3); c.2494C>T (NM_000044.3); short protein forms R300*, R832*.
Identifiers: ClinVar variation 1342730 (VCV001342730.6), dbSNP rs2147537840, ClinGen allele CA413427707.
Genomic context (GRCh38, chrX:67,722,871, plus strand): 5'-CTTCATCCCACATCAGTTCCAGTGGATGGGCTGAAAAATCAAAAATTCTTTGATGAACTT[C>T]GAATGAACTACATCAAGGAACTCGATCGTATCATTGCATGCAAAAGAAAAAATCCCACAT-3'